The following is an entry in ClinVar:

NM_054021.2(GPR101):c.927C>A (p.Ser309Arg)

Gene: GPR101 (G protein-coupled receptor 101; minus strand). Cytogenetic location: Xq26.3.
Variant type: single nucleotide variant.
Coding change: c.927C>A on transcript NM_054021.2 (MANE Select); coding-DNA position 927, C replaced by A.
Protein change: p.Ser309Arg; replaces serine 309 with arginine.
Molecular consequence: missense variant.
Genome position (GRCh38, 1-based): chrX:137,030,748, G>T on the plus strand (C>A on the coding strand, the complement: GPR101 is on the minus strand). VCF-style: chrX-137030748-G-T. GRCh37 (hg19) VCF-style: chrX-136112907-G-T.
Other names: short protein forms S309R.
Identifiers: ClinVar variation 2811610 (VCV002811610.3), dbSNP rs2520420497, ClinGen allele CA414766920.

ClinVar aggregate classification (germline): Uncertain significance (1 of 4 stars; one submission).

Allele frequency attached by ClinVar (database versions not stated): gnomAD exomes below 0.00001.

Submission:

Labcorp Genetics (formerly Invitae), Labcorp
Classification: Uncertain significance. Last evaluated: 2024-10-07. Review status: criteria provided, single submitter. Criteria: Invitae Variant Classification Sherloc (09022015). Collection method: clinical testing. Allele origin: germline.
Comment: This sequence change replaces serine, which is neutral and polar, with arginine, which is basic and polar, at codon 309 of the GPR101 protein (p.Ser309Arg). This variant is not present in population databases (gnomAD no frequency). This variant has not been reported in the literature in individuals affected with GPR101-related conditions. An algorithm developed to predict the effect of missense changes on protein structure and function outputs the following: PolyPhen-2: "Benign". The arginine amino acid residue is found in multiple mammalian species, which suggests that this missense change does not adversely affect protein function. In summary, the available evidence is currently insufficient to determine the role of this variant in disease. Therefore, it has been classified as a Variant of Uncertain Significance.